The following is an entry in ClinVar:

ClinVar aggregate classification (germline): Pathogenic/Likely pathogenic. Review status: criteria provided, multiple submitters, no conflicts (2 of 4 stars). 6 submissions from 5 submitters: Pathogenic (5); Likely pathogenic (1). Last evaluated 2023-04-07.

Conditions:
Cone-rod dystrophy 13 (CORD13). Identifiers: Orphanet 1872, MedGen C2750720, MONDO:0011987, OMIM 608194.
Leber congenital amaurosis 6 (LCA6). Identifiers: Orphanet 65, MedGen C1854260, MONDO:0013446, OMIM 613826.
RPGRIP1-related disorder. Also called: RPGRIP1-related condition.

Submissions (6):

Labcorp Genetics (formerly Invitae), Labcorp
Classification: Pathogenic for Leber congenital amaurosis 6; Cone-rod dystrophy 13. Last evaluated: 2023-04-07. Review status: criteria provided, single submitter. Criteria: Invitae Variant Classification Sherloc (09022015). Collection method: clinical testing. Allele origin: germline.
Comment: For these reasons, this variant has been classified as Pathogenic. ClinVar contains an entry for this variant (Variation ID: 623224). This premature translational stop signal has been observed in individual(s) with retinal dystrophy (PMID: 31429209). This variant is present in population databases (rs752263228, gnomAD 0.003%). This sequence change creates a premature translational stop signal (p.His225Thrfs*50) in the RPGRIP1 gene. It is expected to result in an absent or disrupted protein product. Loss-of-function variants in RPGRIP1 are known to be pathogenic (PMID: 11528500, 23105016).

Blueprint Genetics
Classification: Pathogenic for RPGRIP1-related disorders. Last evaluated: 2022-09-12. Review status: criteria provided, single submitter. Criteria: ACMG Guidelines, 2015. Collection method: clinical testing. Allele origin: germline. Affected: yes. Observed: 5 variant alleles.

Genome-Nilou Lab
Classification: Pathogenic for Leber congenital amaurosis 6. Last evaluated: 2021-11-07. Review status: criteria provided, single submitter. Criteria: ACMG Guidelines, 2015. Collection method: clinical testing. Allele origin: germline. Affected: no.

Genome-Nilou Lab
Classification: Pathogenic for Cone-rod dystrophy 13. Last evaluated: 2021-11-07. Review status: criteria provided, single submitter. Criteria: ACMG Guidelines, 2015. Collection method: clinical testing. Allele origin: germline. Affected: no.

Baylor Genetics
Classification: Pathogenic for Cone-rod dystrophy 13. Last evaluated: 2018-08-22. Review status: criteria provided, single submitter. Criteria: ACMG Guidelines, 2015. Collection method: clinical testing. Allele origin: paternal. Affected: yes.
Comment: This variant was determined to be pathogenic according to ACMG Guidelines, 2015 [PMID:25741868].

Molecular Diagnostics Laboratory, M Health Fairview: University of Minnesota
Classification: Likely pathogenic for Leber congenital amaurosis 6. Last evaluated: 2017-02-07. Review status: criteria provided, single submitter. Criteria: ACMG Guidelines, 2015. Collection method: clinical testing. Allele origin: germline. Affected: yes. Observed: 1 variant allele.

Literature cited by the submitters: PubMed 31429209 (cited by Labcorp Genetics (formerly Invitae), Labcorp); PubMed 11528500 (cited by Labcorp Genetics (formerly Invitae), Labcorp); PubMed 23105016 (cited by Labcorp Genetics (formerly Invitae), Labcorp).

NM_020366.4(RPGRIP1):c.673del (p.His225fs)

Gene: RPGRIP1 (RPGR interacting protein 1; plus strand). Cytogenetic location: 14q11.2.
Variant type: Deletion.
Coding change: c.673del on transcript NM_020366.4 (MANE Select); coding-DNA position 673, one base deleted (C; older notation c.673delC).
Protein change: p.His225fs; shifts the reading frame from histidine 225.
Molecular consequence: frameshift variant.
Genome position (GRCh38, 1-based): chr14:21,303,416, C deleted; the last of 3 consecutive C bases (chr14:21,303,414-21,303,416); deleting any one gives the same sequence. VCF-style (leftmost placement, unchanged base first): chr14-21303413-GC-G. GRCh37 (hg19) VCF-style: chr14-21771572-GC-G.
Other names: c.673delC (NM_020366.3); short protein forms H225fs.
Identifiers: ClinVar variation 623224 (VCV000623224.9), dbSNP rs752263228, ClinGen allele CA7088725.